The following is an entry in ClinVar:

ClinVar aggregate classification (germline): Uncertain significance (1 of 4 stars; one submission).

Conditions:
Autosomal recessive limb-girdle muscular dystrophy type 2J (LGMDR10). Also called: Limb-girdle muscular dystrophy, type 2J; MUSCULAR DYSTROPHY, LIMB-GIRDLE, AUTOSOMAL RECESSIVE 10. Identifiers: Orphanet 140922, MedGen C1837342, MONDO:0012127, OMIM 608807.
Dilated cardiomyopathy 1G (CMD1G). Identifiers: Orphanet 154, MedGen C1858763, MONDO:0011400, OMIM 604145.

gnomAD v4.1: 1 of 1,614,064 alleles (0.000062%); highest among the groups gnomAD compares: Non-Finnish European, 0.000085%; no homozygotes.

Submission:

Labcorp Genetics (formerly Invitae), Labcorp
Classification: Uncertain significance for Dilated cardiomyopathy 1G; Autosomal recessive limb-girdle muscular dystrophy type 2J. Last evaluated: 2025-06-25. Review status: criteria provided, single submitter. Criteria: Invitae Variant Classification Sherloc (09022015). Collection method: clinical testing. Allele origin: germline.
Comment: This sequence change replaces glutamic acid, which is acidic and polar, with lysine, which is basic and polar, at codon 35074 of the TTN protein (p.Glu35074Lys). This variant is present in population databases (rs777819401, gnomAD 0.0009%). This variant has not been reported in the literature in individuals affected with TTN-related conditions. Experimental studies and prediction algorithms are not available or were not evaluated, and the functional significance of this variant is currently unknown. This variant is located in the M band of TTN (PMID: 25589632). Non-truncating variants in this region may be relevant for neuromuscular disorders, but have not been definitively shown to cause cardiomyopathy (PMID: 23975875). In summary, the available evidence is currently insufficient to determine the role of this variant in disease. Therefore, it has been classified as a Variant of Uncertain Significance.

Literature cited by the submitters: PubMed 25589632; PubMed 23975875.

NM_001267550.2(TTN):c.105220G>A (p.Glu35074Lys)

Genes: TTN (titin; minus strand), TTN-AS1 (TTN antisense RNA 1; plus strand). Cytogenetic location: 2q31.2.
Variant type: single nucleotide variant.
Coding change: c.105220G>A on transcript NM_001267550.2 (MANE Select); coding-DNA position 105220, G replaced by A.
Protein change: p.Glu35074Lys; replaces glutamic acid 35074 with lysine.
Molecular consequence: missense variant.
Genome position (GRCh38, 1-based): chr2:178,531,395, C>T on the plus strand (G>A on the coding strand, the complement: TTN is on the minus strand). VCF-style: chr2-178531395-C-T. GRCh37 (hg19) VCF-style: chr2-179396122-C-T.
Other names: c.100297G>A, p.Glu33433Lys (NM_001256850.1); c.78025G>A, p.Glu26009Lys (NM_003319.4); c.97516G>A, p.Glu32506Lys (NM_133378.4); c.78400G>A, p.Glu26134Lys (NM_133432.3); c.78601G>A, p.Glu26201Lys (NM_133437.4); short protein forms E26009K, E26134K, E26201K, E32506K, E35074K, E33433K.
Identifiers: ClinVar variation 4792290 (VCV004792290.1).